The following is an entry in ClinVar:

ClinVar aggregate classification (germline): Likely pathogenic. Review status: criteria provided, multiple submitters, no conflicts (2 of 4 stars). 2 submissions from 2 submitters: Likely pathogenic (2). Last evaluated 2025-07-10.

Conditions:
Hereditary cancer-predisposing syndrome. Also called: Tumor predisposition; Neoplastic Syndromes, Hereditary; Hereditary neoplastic syndrome; Hereditary Cancer Syndrome. Identifiers: Orphanet 140162, MedGen C0027672, MeSH D009386, MONDO:0015356.

Submissions (2):

Ambry Genetics
Classification: Likely pathogenic for Hereditary cancer-predisposing syndrome. Last evaluated: 2025-07-10. Review status: criteria provided, single submitter. Criteria: Ambry Variant Classification Scheme 2023. Collection method: clinical testing. Allele origin: germline.
Comment: The c.1390-2A>G intronic variant results from an A to G substitution two nucleotides upstream from coding exon 10 in the CTNNA1 gene. This nucleotide position is highly conserved in available vertebrate species. In silico splice site analysis predicts that this alteration will weaken the native splice acceptor site and may result in the creation or strengthening of a novel splice acceptor site; however, direct evidence is insufficient at this time (Ambry internal data). Alterations that disrupt the canonical splice site are expected to cause aberrant splicing, resulting in an abnormal protein or a transcript that is subject to nonsense-mediated mRNA decay. As such, this alteration is classified as likely pathogenic.

Labcorp Genetics (formerly Invitae), Labcorp
Classification: Likely pathogenic. Last evaluated: 2023-12-01. Review status: criteria provided, single submitter. Criteria: Invitae Variant Classification Sherloc (09022015). Collection method: clinical testing. Allele origin: germline.
Comment: This sequence change affects an acceptor splice site in intron 10 of the CTNNA1 gene. It is expected to disrupt RNA splicing. Variants that disrupt the donor or acceptor splice site typically lead to a loss of protein function (PMID: 16199547), and loss-of-function variants in CTNNA1 are known to be pathogenic (PMID: 32051609, 34425242). This variant is not present in population databases (gnomAD no frequency). This variant has not been reported in the literature in individuals affected with CTNNA1-related conditions. ClinVar contains an entry for this variant (Variation ID: 849247). Studies have shown that disruption of this splice site is associated with inconclusive levels of altered splicing (Invitae). In summary, the currently available evidence indicates that the variant is pathogenic, but additional data are needed to prove that conclusively. Therefore, this variant has been classified as Likely Pathogenic.

Literature cited by the submitters: PubMed 16199547 (cited by Labcorp Genetics (formerly Invitae), Labcorp); PubMed 32051609 (cited by Labcorp Genetics (formerly Invitae), Labcorp); PubMed 34425242 (cited by Labcorp Genetics (formerly Invitae), Labcorp).

NM_001903.5(CTNNA1):c.1390-2A>G

Gene: CTNNA1 (catenin alpha 1; plus strand). Cytogenetic location: 5q31.2.
Variant type: single nucleotide variant.
Coding change: c.1390-2A>G on transcript NM_001903.5 (MANE Select); the canonical splice acceptor site of the intron before coding-DNA position 1390, A replaced by G.
Molecular consequence: splice acceptor variant.
Genome position (GRCh38, 1-based): chr5:138,917,740, A>G. VCF-style: chr5-138917740-A-G. GRCh37 (hg19) VCF-style: chr5-138253429-A-G.
Other names: c.1390-2A>G (NM_001323982.2, NM_001323984.2, NM_001290307.3 and 3 more transcripts); c.1297-2A>G (NM_001323986.2); c.1021-2A>G (NM_001290310.3); c.1081-2A>G (NM_001290309.3); c.280-2A>G (NM_001323996.1, NM_001323993.1, NM_001324005.1 and 17 more transcripts); c.-60-2A>G (NM_001324007.1, NM_001324009.1, NM_001324006.1 and 2 more transcripts); c.37-2A>G (NM_001324013.1, NM_001324012.1); c.187-2A>G (NM_001324011.1).
Identifiers: ClinVar variation 849247 (VCV000849247.10), dbSNP rs1762091435, ClinGen allele CA361137011.